The following is an entry in ClinVar:

NM_001318895.3(FHL2):c.224T>G (p.Leu75Arg)

Genes: FHL2 (four and a half LIM domains 2; minus strand), C2orf49 (chromosome 2 open reading frame 49; plus strand). Cytogenetic location: 2q12.2.
Variant type: single nucleotide variant.
Coding change: c.224T>G on transcript NM_001318895.3 (MANE Select); coding-DNA position 224, T replaced by G.
Protein change: p.Leu75Arg; replaces leucine 75 with arginine.
Molecular consequence: missense variant. On other transcripts: 5 prime UTR variant (1), intron variant (2).
Genome position (GRCh38, 1-based): chr2:105,373,666, A>C on the plus strand (T>G on the coding strand, the complement: FHL2 is on the minus strand). VCF-style: chr2-105373666-A-C. GRCh37 (hg19) VCF-style: chr2-105990123-A-C.
Other names: c.224T>G (NM_201555.1); c.224T>G, p.Leu75Arg (NM_001039492.3, NM_001318894.1, NM_001318896.2 and 4 more transcripts); c.-101T>G (NM_001318899.2); c.-11-5927T>G (NM_001318897.2, NM_001318898.2); short protein forms L75R.
Identifiers: ClinVar variation 1446072 (VCV001446072.9), dbSNP rs1208356626, ClinGen allele CA348002119.

ClinVar aggregate classification (germline): Uncertain significance. Review status: criteria provided, multiple submitters, no conflicts (2 of 4 stars). 2 submissions from 2 submitters: Uncertain significance (2). Last evaluated 2025-09-22.

Conditions:
Primary dilated cardiomyopathy (DCM). Also called: Dilated Cardiomyopathy. Identifiers: Orphanet 217604, MedGen C0007193, MeSH D002311, MONDO:0005021, HP:0001644. Inheritance: Various modes of inheritance.

Allele frequency attached by ClinVar (database versions not stated): gnomAD exomes below 0.00001; gnomAD 0.00001; TOPMed 0.00001.
gnomAD v4.1: 6 of 1,614,110 alleles (0.00037%); highest among the groups gnomAD compares: Non-Finnish European, 0.00051%; no homozygotes.

Submissions (2):

Ambry Genetics
Classification: Uncertain significance. Last evaluated: 2025-09-22. Review status: criteria provided, single submitter. Criteria: Ambry Variant Classification Scheme 2023. Collection method: clinical testing. Allele origin: germline.

Labcorp Genetics (formerly Invitae), Labcorp
Classification: Uncertain significance for Primary dilated cardiomyopathy. Last evaluated: 2023-11-29. Review status: criteria provided, single submitter. Criteria: Invitae Variant Classification Sherloc (09022015). Collection method: clinical testing. Allele origin: germline.
Comment: This sequence change replaces leucine, which is neutral and non-polar, with arginine, which is basic and polar, at codon 75 of the FHL2 protein (p.Leu75Arg). This variant is present in population databases (no rsID available, gnomAD 0.007%). This variant has not been reported in the literature in individuals affected with FHL2-related conditions. ClinVar contains an entry for this variant (Variation ID: 1446072). Advanced modeling of protein sequence and biophysical properties (such as structural, functional, and spatial information, amino acid conservation, physicochemical variation, residue mobility, and thermodynamic stability) performed at Invitae indicates that this missense variant is not expected to disrupt FHL2 protein function with a negative predictive value of 80%. In summary, the available evidence is currently insufficient to determine the role of this variant in disease. Therefore, it has been classified as a Variant of Uncertain Significance.